The following is an entry in ClinVar:

NM_024675.4(PALB2):c.739_891dup (p.Thr247_Thr297dup)

Gene: PALB2 (partner and localizer of BRCA2; minus strand). Cytogenetic location: 16p12.2.
Variant type: Duplication.
Coding change: c.739_891dup on transcript NM_024675.4 (MANE Select); coding-DNA positions 739 to 891, 153 bases duplicated.
Protein change: p.Thr247_Thr297dup.
Molecular consequence: inframe insertion.
Genome position (GRCh38, 1-based): chr16:23,635,655-23,635,807, 153 bases duplicated. GRCh37 (hg19): chr16:23,646,980-23,647,132.
Identifiers: ClinVar variation 581740 (VCV000581740.12), dbSNP rs1567222088, ClinGen allele CA891844529.

ClinVar aggregate classification (germline): Uncertain significance. Review status: criteria provided, multiple submitters, no conflicts (2 of 4 stars). 3 submissions from 3 submitters: Uncertain significance (3). Last evaluated 2025-12-09.

Conditions:
Hereditary cancer-predisposing syndrome. Also called: Neoplastic Syndromes, Hereditary; Hereditary Cancer Syndrome; Tumor predisposition; Hereditary neoplastic syndrome. Identifiers: Orphanet 140162, MedGen C0027672, MeSH D009386, MONDO:0015356.
Familial cancer of breast. Also called: Hereditary breast cancer; hereditary breast carcinoma; BREAST CANCER, FAMILIAL. Identifiers: Orphanet 227535, MedGen C0346153, MONDO:0016419, OMIM 114480. Disease mechanism: loss of function.

Submissions (3):

Labcorp Genetics (formerly Invitae), Labcorp
Classification: Uncertain significance for Familial cancer of breast. Last evaluated: 2025-12-09. Review status: criteria provided, single submitter. Criteria: Invitae Variant Classification Sherloc (09022015). Collection method: clinical testing. Allele origin: germline.
Comment: This variant, c.739_891dup, results in the insertion of 51 amino acid(s) of the PALB2 protein (p.Thr247_Thr297dup), but otherwise preserves the integrity of the reading frame. This variant is not present in population databases (gnomAD no frequency). This variant has not been reported in the literature in individuals affected with PALB2-related conditions. ClinVar contains an entry for this variant (Variation ID: 581740). Experimental studies and prediction algorithms are not available or were not evaluated, and the functional significance of this variant is currently unknown. RNA analysis performed to evaluate the impact of this variant on mRNA splicing indicates it does not significantly alter splicing (internal data). In summary, the available evidence is currently insufficient to determine the role of this variant in disease. Therefore, it has been classified as a Variant of Uncertain Significance.

Quest Diagnostics Nichols Institute San Juan Capistrano
Classification: Uncertain significance. Last evaluated: 2025-10-13. Review status: criteria provided, single submitter. Criteria: Quest Diagnostics criteria. Collection method: clinical testing. Allele origin: unknown.
Comment: The PALB2 c.739_891dup (p.Thr247_Thr297dup) variant has not been reported in individuals with PALB2-related conditions in the published literature. This variant has not been reported in large, multi-ethnic general populations (Genome Aggregation Database). Based on the available information, we are unable to determine the clinical significance of this variant.

Molecular Diagnostics Laboratory, Catalan Institute of Oncology
Classification: Uncertain significance for Hereditary cancer-predisposing syndrome. Last evaluated: 2024-06-20. Review status: criteria provided, single submitter. Criteria: ClinGen ACMG Specifications PALB2 V1.0.0. Collection method: clinical testing. Allele origin: germline. Inheritance: Autosomal dominant inheritance. Affected: yes.
Comment: The c.739_891dup, located in coding exon 4 of the PALB2 gene, results from an in-frame insertion of 51 amino acid residues, p.(Thr247_Thr297dup) not contained within the W40 domain (PVS1_Supporting). It is not present in either of the population databases gnomAD v4.1.0 and gnomAD SVs v4.1.0 (PM2_supporting). In silico prediction at protein level is not available for this variant and no effect is predicted on splicing by computational tools. To our knowledge, functional studies have not been reported for this variant. This variant has only been reported in ClinVar database (1x uncertain significance) and has not been identified in LOVD database. Based on currently available information, c.739_891dup is classified as an uncertain significance variant according to ClinGen Hereditary Breast, Ovarian and Pancreatic Cancer Expert Panel Specifications to the ACMG/AMP Variant Interpretation Guidelines for PALB2 v1.0.0.